The following is an entry in ClinVar:

NM_004958.4(MTOR):c.841-6A>G

Gene: MTOR (mechanistic target of rapamycin kinase; minus strand). Cytogenetic location: 1p36.22.
Variant type: single nucleotide variant.
Coding change: c.841-6A>G on transcript NM_004958.4 (MANE Select); 6 bases into the intron before coding-DNA position 841, A replaced by G.
Molecular consequence: intron variant.
Genome position (GRCh38, 1-based): chr1:11,248,100, T>C on the plus strand (A>G on the coding strand, the complement: MTOR is on the minus strand). VCF-style: chr1-11248100-T-C. GRCh37 (hg19) VCF-style: chr1-11308157-T-C.
Other names: c.-299-6A>G (NM_001386501.1); c.841-6A>G (NM_001386500.1).
Identifiers: ClinVar variation 1031481 (VCV001031481.10), dbSNP rs539605016, ClinGen allele CA590859.

ClinVar aggregate classification (germline): Conflicting classifications of pathogenicity. Review status: criteria provided, conflicting classifications (1 of 4 stars). 2 submissions from 2 submitters: Uncertain significance (1); Likely benign (1). Last evaluated 2024-12-15.

Conditions:
Isolated focal cortical dysplasia type II (FCORD2). Also called: CORTICAL DYSPLASIA OF TAYLOR; Focal cortical dysplasia type II. Identifiers: Orphanet 268994, MedGen C1846385, MONDO:0011818, OMIM 607341, HP:0032051.

Allele frequency attached by ClinVar (database versions not stated): gnomAD exomes 0.00001 and 0.00002; ExAC 0.00002; gnomAD 0.00003; TOPMed 0.00003; 1000 Genomes Project 0.00020; 1000 Genomes Project 30x 0.00031.
gnomAD v4.1: 20 of 1,573,922 alleles (0.0013%); highest among the groups gnomAD compares: African/African-American, 0.012%; no homozygotes.

Submissions (2):

Labcorp Genetics (formerly Invitae), Labcorp
Classification: Likely benign. Last evaluated: 2024-12-15. Review status: criteria provided, single submitter. Criteria: Invitae Variant Classification Sherloc (09022015). Collection method: clinical testing. Allele origin: germline.

Baylor Genetics
Classification: Uncertain significance for Isolated focal cortical dysplasia type II. Last evaluated: 2018-02-08. Review status: criteria provided, single submitter. Criteria: ACMG Guidelines, 2015. Collection method: clinical testing. Allele origin: maternal. Affected: yes.
Comment: This variant was determined to be of uncertain significance according to ACMG Guidelines, 2015 [PMID:25741868].